The following is an entry in ClinVar:

ClinVar aggregate classification (germline): Uncertain significance (1 of 4 stars; one submission).

gnomAD v4.1: 9 of 775,592 alleles (0.0012%); highest among the groups gnomAD compares: East Asian, 0.0097%; no homozygotes.

Submission:

Women's Health and Genetics/Laboratory Corporation of America, LabCorp
Classification: Uncertain significance. Last evaluated: 2025-11-12. Review status: criteria provided, single submitter. Criteria: LabCorp Variant Classification Summary - May 2015. Collection method: clinical testing. Allele origin: germline.
Comment: Variant summary: C1R c.586G>A (p.Glu196Lys) results in a conservative amino acid change in the encoded protein sequence. Algorithms developed to predict the effect of missense changes on protein structure and function are either unavailable or do not agree on the potential impact of this missense change. The variant allele was found at a frequency of 2.4e-05 in 245226 control chromosomes. The available data on variant occurrences in the general population are insufficient to allow any conclusion about variant significance. To our knowledge, no occurrence of c.586G>A in individuals affected with C1R-related conditions and no experimental evidence demonstrating its impact on protein function have been reported. No submitters have cited clinical-significance assessments for this variant to ClinVar. Based on the evidence outlined above, the variant was classified as uncertain significance.

NM_001733.7(C1R):c.586G>A (p.Glu196Lys)

Gene: C1R (complement C1r; minus strand). Cytogenetic location: 12p13.31.
Variant type: single nucleotide variant.
Coding change: c.586G>A on transcript NM_001733.7 (MANE Select); coding-DNA position 586, G replaced by A.
Protein change: p.Glu196Lys; replaces glutamic acid 196 with lysine.
Molecular consequence: missense variant.
Genome position (GRCh38, 1-based): chr12:7,089,475, C>T on the plus strand (G>A on the coding strand, the complement: C1R is on the minus strand). VCF-style: chr12-7089475-C-T. GRCh37 (hg19) VCF-style: chr12-7242071-C-T.
Other names: c.628G>A, p.Glu210Lys (NM_001354346.2); short protein forms E196K, E210K.
Identifiers: ClinVar variation 4536772 (VCV004536772.1).